The following is an entry in ClinVar:

ClinVar aggregate classification (germline): Uncertain significance (1 of 4 stars; one submission).

gnomAD v4.1: 3 of 1,513,288 alleles (0.0002%); highest among the groups gnomAD compares: African/African-American, 0.0027%; no homozygotes.

Submission:

GeneDx
Classification: Uncertain significance. Last evaluated: 2024-01-25. Review status: criteria provided, single submitter. Criteria: GeneDx Variant Classification Process June 2021. Collection method: clinical testing. Allele origin: germline. Affected: yes.
Comment: Not observed at significant frequency in large population cohorts (gnomAD); In silico analysis supports that this missense variant has a deleterious effect on protein structure/function; Has not been previously published as pathogenic or benign to our knowledge

NM_000293.3(PHKB):c.544C>T (p.Leu182Phe)

Gene: PHKB (phosphorylase kinase regulatory subunit beta; plus strand). Cytogenetic location: 16q12.1.
Variant type: single nucleotide variant.
Coding change: c.544C>T on transcript NM_000293.3 (MANE Select); coding-DNA position 544, C replaced by T.
Protein change: p.Leu182Phe; replaces leucine 182 with phenylalanine.
Molecular consequence: missense variant.
Genome position (GRCh38, 1-based): chr16:47,515,551, C>T. VCF-style: chr16-47515551-C-T. GRCh37 (hg19) VCF-style: chr16-47549462-C-T.
Other names: c.523C>T, p.Leu175Phe (NM_001031835.3); c.544C>T, p.Leu182Phe (NM_001363837.1); short protein forms L175F, L182F.
Identifiers: ClinVar variation 3368190 (VCV003368190.1).
Genomic context (GRCh38, chr16:47,515,551, plus strand): 5'-TTAACCTTTTAATGTTTCTGTTTGTTGCAGATAAATGCAGTGTCACTTTATCTCCTTTAC[C>T]TTGTGGAAATGATTTCCTCAGGACTCCAGATTATCTACAACACTGATGAGGTATGCTTTC-3'
Protein context (NP_000284.1, residues 172-192): INAVSLYLLY[Leu182Phe]VEMISSGLQI